The following is an entry in ClinVar:

ClinVar aggregate classification (germline): Uncertain significance. Review status: criteria provided, single submitter (1 of 4 stars). 3 submissions from 3 submitters: Uncertain significance (1). 2 of the submissions do not count toward it. Last evaluated 2024-10-08.

Conditions:
Joubert syndrome. Also called: JOUBERT-BOLTSHAUSER SYNDROME; Familial aplasia of the vermis. Identifiers: Orphanet 475, MedGen C5979921, MONDO:0018772.
Meckel-Gruber syndrome. Also called: DYSENCEPHALIA SPLANCHNOCYSTICA; GRUBER SYNDROME; Dysencephalia splachnocystica. Identifiers: Orphanet 564, MedGen C0265215, MONDO:0018921.

Allele frequency attached by ClinVar (database versions not stated): gnomAD 0.00002 and 0.00003; TOPMed 0.00004; gnomAD exomes 0.00007 and 0.00010; ExAC 0.00010.
gnomAD v4.1: 153 of 1,604,760 alleles (0.0095%); highest among the groups gnomAD compares: Non-Finnish European, 0.012%; no homozygotes.

Submissions (4):

Labcorp Genetics (formerly Invitae), Labcorp
Classification: Uncertain significance for Joubert syndrome; Meckel-Gruber syndrome. Last evaluated: 2024-10-08. Review status: criteria provided, single submitter. Criteria: Invitae Variant Classification Sherloc (09022015). Collection method: clinical testing. Allele origin: germline.
Comment: This sequence change replaces tyrosine, which is neutral and polar, with cysteine, which is neutral and slightly polar, at codon 484 of the CC2D2A protein (p.Tyr484Cys). This variant is present in population databases (rs746279803, gnomAD 0.01%). This variant has not been reported in the literature in individuals affected with CC2D2A-related conditions. ClinVar contains an entry for this variant (Variation ID: 1299980). Invitae Evidence Modeling of protein sequence and biophysical properties (such as structural, functional, and spatial information, amino acid conservation, physicochemical variation, residue mobility, and thermodynamic stability) indicates that this missense variant is expected to disrupt CC2D2A protein function with a positive predictive value of 80%. In summary, the available evidence is currently insufficient to determine the role of this variant in disease. Therefore, it has been classified as a Variant of Uncertain Significance.

Dr. Peter K. Rogan Lab, Western University
No classification provided (evidence only). Condition: Melanoma. Review status: no classification provided. Collection method: in vitro. Allele origin: not applicable. Functional consequence: retained intron. Not counted in ClinVar's aggregate classification.

Joint Genome Diagnostic Labs from Nijmegen and Maastricht, Radboudumc and MUMC+
Classification: Uncertain significance. Review status: no assertion criteria provided. Collection method: clinical testing. Allele origin: germline. Affected: yes. Study: VKGL Data-share Consensus. Not counted in ClinVar's aggregate classification.

Laboratory of Diagnostic Genome Analysis, Leiden University Medical Center (LUMC)
Classification: Uncertain significance. Review status: no assertion criteria provided. Collection method: clinical testing. Allele origin: germline. Affected: yes. Study: VKGL Data-share Consensus. Not counted in ClinVar's aggregate classification.

NM_001378615.1(CC2D2A):c.1451A>G (p.Tyr484Cys)

Genes: CC2D2A (coiled-coil and C2 domain containing 2A; plus strand), FBXL5 (F-box and leucine rich repeat protein 5; minus strand). Cytogenetic location: 4p15.32.
Variant type: single nucleotide variant.
Coding change: c.1451A>G on transcript NM_001378615.1 (MANE Select); coding-DNA position 1451, A replaced by G.
Protein change: p.Tyr484Cys; replaces tyrosine 484 with cysteine.
Molecular consequence: missense variant.
Genome position (GRCh38, 1-based): chr4:15,528,711, A>G. VCF-style: chr4-15528711-A-G. GRCh37 (hg19) VCF-style: chr4-15530334-A-G.
Other names: c.1451A>G, p.Tyr484Cys (NM_001080522.2); c.1304A>G, p.Tyr435Cys (NM_001378617.1); short protein forms Y435C, Y484C.
Identifiers: ClinVar variation 1299980 (VCV001299980.7), dbSNP rs746279803, ClinGen allele CA2863669.